The following is an entry in ClinVar:

ClinVar aggregate classification (germline): Likely benign. Review status: criteria provided, single submitter (1 of 4 stars). 2 submissions from 2 submitters: Likely benign (1). 1 of the submissions does not count toward it. Last evaluated 2018-06-01.

Conditions:
NRP2-related disorder. Also called: NRP2-related condition.

Allele frequency attached by ClinVar (database versions not stated): gnomAD 0.00005 and 0.00006; TOPMed 0.00005; gnomAD exomes 0.00007; ExAC 0.00011.
gnomAD v4.1: 116 of 1,614,062 alleles (0.0072%); highest among the groups gnomAD compares: Non-Finnish European, 0.0097%; no homozygotes.

Submissions (2):

Labcorp Genetics (formerly Invitae), Labcorp
Classification: Likely benign. Last evaluated: 2018-06-01. Review status: criteria provided, single submitter. Criteria: Invitae Variant Classification Sherloc (09022015). Collection method: clinical testing. Allele origin: germline.

PreventionGenetics, part of Exact Sciences
Classification: Likely benign for NRP2-related condition. Last evaluated: 2021-10-04. Review status: no assertion criteria provided. Collection method: clinical testing. Allele origin: germline. Not counted in ClinVar's aggregate classification.
Comment: This variant is classified as likely benign based on ACMG/AMP sequence variant interpretation guidelines (Richards et al. 2015 PMID: 25741868, with internal and published modifications).

NM_003872.3(NRP2):c.2649C>T (p.Leu883=)

Gene: NRP2 (neuropilin 2; plus strand). Cytogenetic location: 2q33.3.
Variant type: single nucleotide variant.
Coding change: c.2649C>T on transcript NM_003872.3 (MANE Select); coding-DNA position 2649, C replaced by T.
Protein change: p.Leu883=; no amino-acid change (leucine 883 retained).
Molecular consequence: synonymous variant.
Genome position (GRCh38, 1-based): chr2:205,794,926, C>T. VCF-style: chr2-205794926-C-T. GRCh37 (hg19) VCF-style: chr2-206659650-C-T.
Other names: c.2664C>T, p.Leu888= (NM_201266.2); c.2598C>T, p.Leu866= (NM_201279.2).
Identifiers: ClinVar variation 744614 (VCV000744614.5), dbSNP rs778169084, ClinGen allele CA2069631.
Genomic context (GRCh38, chr2:205,794,926, plus strand): 5'-CATCATCGCCATGAGCTCACTGGGCGTCCTCCTGGGGGCCACCTGTGCAGGCCTCCTGCT[C>T]TACTGCACCTGTTCCTACTCGGGCCTGAGCTCCCGAAGCTGCACCACACTGGAGAACTAC-3'
Protein context (NP_003863.2, residues 873-893): LLGATCAGLL[Leu883=]YCTCSYSGLS